The following is an entry in ClinVar:

NM_000391.4(TPP1):c.1266_1266+1delinsTACAAACAAACA

Gene: TPP1 (tripeptidyl peptidase 1; minus strand). Cytogenetic location: 11p15.4.
Variant type: Indel.
Coding change: c.1266_1266+1delinsTACAAACAAACA on transcript NM_000391.4 (MANE Select); coding-DNA position 1266 through the canonical splice donor site of the intron after coding-DNA position 1266, GG replaced by TACAAACAAACA.
Molecular consequence: splice donor variant.
Genome position (GRCh38, 1-based): chr11:6,615,441-6,615,442, CC replaced by TGTTTGTTTGTA on the plus strand (GG replaced by TACAAACAAACA on the coding strand, the reverse complement: TPP1 is on the minus strand). VCF-style: chr11-6615441-CC-TGTTTGTTTGTA. GRCh37 (hg19) VCF-style: chr11-6636672-CC-TGTTTGTTTGTA.
Identifiers: ClinVar variation 2627615 (VCV002627615.2), dbSNP rs2493796806, ClinGen allele CA2582341859.

ClinVar aggregate classification (germline): Pathogenic (1 of 4 stars; one submission).

Conditions:
Neuronal ceroid lipofuscinosis 2. Also called: TPP1-Related Neuronal Ceroid-Lipofuscinosis; JANSKY-BIELSCHOWSKY DISEASE NEURONAL CEROID LIPOFUSCINOSIS, LATE INFANTILE. Identifiers: Orphanet 168491, Orphanet 228349, Orphanet 79264, MedGen C1876161, MONDO:0008769, OMIM 204500.

Submission:

Human Genome Lab, NIMHANS, National Institute of Mental Health and Neuro Sciences
Classification: Pathogenic for Neuronal ceroid lipofuscinosis 2. Review status: criteria provided, single submitter. Criteria: ACMG Guidelines, 2015. Collection method: clinical testing. Allele origin: germline. Inheritance: Autosomal recessive inheritance. Affected: yes. Observed: 1 compound heterozygote.
Comment: The splice donor variant NC_000011.10(NM_000391.4):c.1266_1266+1delinsTACAAACAAACA has not been reported previously as a pathogenic variant nor as a benign variant, to our knowledge. The c.1266_1266+1delinsTACAAACAAACA variant is novel (not in any individuals) in 1000 Genomes, in gnomAD as well as in our inhouse database. This variant mutates a splice-donor sequence, potentially resulting in the retention of large segments of intronic DNA by the mRNA resulting in shifting of the reading frame. This variant disrupts the donor splice site for an exon upstream from the penultimate exon junction and is therefore predicted to cause nonsense mediated decay. The c.1266_1266+1delinsTACAAACAAACA variant is a loss of function variant in the gene TPP1, which is intolerant of Loss of Function variants, as indicated by the presence of existing pathogenic loss of function variant NP_000382.3:p.K18* and 58 others. The variant is observed in compound heterozygous state with another pathogenic variant (Accession: VCV000002646.7). In addition, the patient's phenotype matches with that of the disorder caused by pathogenic variants in TPP1 gene. For these reasons, this variant has been classified as Pathogenic (PM2 PVS1 PP4_Strong).